The following is an entry in ClinVar:

NM_000346.4(SOX9):c.760C>T (p.Arg254Ter)

Gene: SOX9 (SRY-box transcription factor 9; plus strand). Cytogenetic location: 17q24.3.
Variant type: single nucleotide variant.
Coding change: c.760C>T on transcript NM_000346.4 (MANE Select); coding-DNA position 760, C replaced by T.
Protein change: p.Arg254Ter; replaces arginine 254 with a stop codon.
Molecular consequence: nonsense.
Genome position (GRCh38, 1-based): chr17:72,123,617, C>T. VCF-style: chr17-72123617-C-T. GRCh37 (hg19) VCF-style: chr17-70119758-C-T.
Other names: short protein forms R254*.
Identifiers: ClinVar variation 2699620 (VCV002699620.3), dbSNP rs1296808008, ClinGen allele CA400866990.

ClinVar aggregate classification (germline): Pathogenic (1 of 4 stars; one submission).

Conditions:
Camptomelic dysplasia (CMPD). Also called: Campomelic Dysplasia; CMPD1/SRA1. Identifiers: Orphanet 140, MedGen C1861922, MONDO:0007251, OMIM 114290.

Submission:

Labcorp Genetics (formerly Invitae), Labcorp
Classification: Pathogenic for Camptomelic dysplasia. Last evaluated: 2023-11-28. Review status: criteria provided, single submitter. Criteria: Invitae Variant Classification Sherloc (09022015). Collection method: clinical testing. Allele origin: germline.
Comment: This sequence change creates a premature translational stop signal (p.Arg254*) in the SOX9 gene. While this is not anticipated to result in nonsense mediated decay, it is expected to disrupt the last 256 amino acid(s) of the SOX9 protein. This variant is not present in population databases (gnomAD no frequency). This variant has not been reported in the literature in individuals affected with SOX9-related conditions. This variant disrupts a region of the SOX9 protein in which other variant(s) (p.Arg394*) have been determined to be pathogenic (PMID: 31389106; Invitae). This suggests that this is a clinically significant region of the protein, and that variants that disrupt it are likely to be disease-causing. For these reasons, this variant has been classified as Pathogenic.

Literature cited by the submitters: PubMed 31389106.